The following is an entry in ClinVar:

ClinVar aggregate classification (germline): Pathogenic (1 of 4 stars; one submission).

Conditions:
Multiple gastrointestinal atresias. Also called: FAMILIAL INTESTINAL POLYATRESIA SYNDROME; Multiple intestinal atresia. Identifiers: Orphanet 2300, MedGen C0220744, MONDO:0009465.

gnomAD v4.1: 2 of 1,614,140 alleles (0.00012%); highest among the groups gnomAD compares: Non-Finnish European, 0.00017%; no homozygotes.

Submission:

Labcorp Genetics (formerly Invitae), Labcorp
Classification: Pathogenic for Multiple gastrointestinal atresias. Last evaluated: 2026-01-20. Review status: criteria provided, single submitter. Criteria: Invitae Variant Classification Sherloc (09022015). Collection method: clinical testing. Allele origin: germline.
Comment: This sequence change creates a premature translational stop signal (p.Gln118*) in the TTC7A gene. It is expected to result in an absent or disrupted protein product. Loss-of-function variants in TTC7A are known to be pathogenic (PMID: 23830146, 24292712). This variant is not present in population databases (gnomAD no frequency). This variant has not been reported in the literature in individuals affected with TTC7A-related conditions. For these reasons, this variant has been classified as Pathogenic.

Literature cited by the submitters: PubMed 23830146; PubMed 24292712.

NM_020458.4(TTC7A):c.352C>T (p.Gln118Ter)

Gene: TTC7A (tetratricopeptide repeat domain 7A; plus strand). Cytogenetic location: 2p21.
Variant type: single nucleotide variant.
Coding change: c.352C>T on transcript NM_020458.4 (MANE Select); coding-DNA position 352, C replaced by T.
Protein change: p.Gln118Ter; replaces glutamine 118 with a stop codon.
Molecular consequence: nonsense. On other transcripts: 5 prime UTR variant (1).
Genome position (GRCh38, 1-based): chr2:46,956,842, C>T. VCF-style: chr2-46956842-C-T. GRCh37 (hg19) VCF-style: chr2-47183981-C-T.
Other names: c.352C>T, p.Gln118Ter (NM_001288951.2); c.250C>T, p.Gln84Ter (NM_001288953.2); c.-553C>T (NM_001288955.2); short protein forms Q118*, Q84*.
Identifiers: ClinVar variation 4776859 (VCV004776859.1).